The following is an entry in ClinVar:

NM_001365536.1(SCN9A):c.3343A>G (p.Ser1115Gly)

Genes: SCN1A-AS1 (SCN1A and SCN9A antisense RNA 1; plus strand), SCN9A (sodium voltage-gated channel alpha subunit 9; minus strand). Cytogenetic location: 2q24.3.
Variant type: single nucleotide variant.
Coding change: c.3343A>G on transcript NM_001365536.1 (MANE Select); coding-DNA position 3343, A replaced by G.
Protein change: p.Ser1115Gly; replaces serine 1115 with glycine.
Molecular consequence: missense variant.
Genome position (GRCh38, 1-based): chr2:166,272,407, T>C on the plus strand (A>G on the coding strand, the complement: SCN9A is on the minus strand). VCF-style: chr2-166272407-T-C. GRCh37 (hg19) VCF-style: chr2-167128917-T-C.
Other names: p.Ser1104Gly; c.3310A>G, p.Ser1104Gly (NM_002977.4); short protein forms S1104G, S1115G.
Identifiers: ClinVar variation 331972 (VCV000331972.25), dbSNP rs201984007, ClinGen allele CA1944092.

ClinVar aggregate classification (germline): Conflicting classifications of pathogenicity. Review status: criteria provided, conflicting classifications (1 of 4 stars). 10 submissions from 8 submitters: Uncertain significance (6); Benign (2); Likely benign (2). Last evaluated 2026-08-05.

Conditions:
Channelopathy-associated congenital insensitivity to pain, autosomal recessive. Also called: ASYMBOLIA FOR PAIN; Insensitivity to pain, channelopathy-associated; CONGENITAL ANALGESIA, AUTOSOMAL RECESSIVE. Identifiers: Orphanet 88642, Orphanet 970, MedGen C1855739, MONDO:0009459, OMIM 243000.
Primary erythromelalgia. Also called: SCN9A Erythromelalgia (SCN9A-EM); primary erythermalgia. Identifiers: Orphanet 306577, Orphanet 90026, MedGen C0014805, MONDO:0007571, OMIM 133020.
SCN9A-related disorder. Also called: SCN9A-related disorders; SCN9A-related condition.
Neuropathy, hereditary sensory and autonomic, type 2A (HSAN2A). Also called: ACROOSTEOLYSIS, GIACCAI TYPE; ACROOSTEOLYSIS, NEUROGENIC; NEUROPATHY, CONGENITAL SENSORY; NEUROPATHY, HEREDITARY SENSORY RADICULAR, AUTOSOMAL RECESSIVE; NEUROPATHY, HEREDITARY SENSORY, TYPE IIA; NEUROPATHY, PROGRESSIVE SENSORY, OF CHILDREN. Identifiers: Orphanet 970, MedGen C2752089, MONDO:0024309, OMIM 201300.
Generalized epilepsy with febrile seizures plus, type 7 (GEFSP7). Also called: GEFS+, TYPE 7. Identifiers: Orphanet 36387, MedGen C2751778, MONDO:0013470, OMIM 613863.
Inborn genetic diseases. Identifiers: MedGen C0950123, MeSH D030342.
Paroxysmal extreme pain disorder (PEXPD). Also called: SCN9A Paroxysmal Extreme Pain Disorder (SCN9A-PEPD); PAIN, SUBMANDIBULAR, OCULAR, AND RECTAL, WITH FLUSHING; RECTAL PAIN, FAMILIAL. Identifiers: Orphanet 46348, MedGen C1833661, MONDO:0008179, OMIM 167400.

Allele frequency attached by ClinVar (database versions not stated): TOPMed 0.00014; gnomAD 0.00024 and 0.00025; gnomAD exomes 0.00036 and 0.00052; ESP Exome Variant Server 0.00042; ExAC 0.00110.
gnomAD v4.1: 770 of 1,576,122 alleles (0.049%); highest among the groups gnomAD compares: Non-Finnish European, 0.061%; 2 homozygotes.

Submissions (10):

PreventionGenetics, part of Exact Sciences
Classification: Uncertain significance for SCN9A-related condition. Last evaluated: 2026-08-05. Review status: criteria provided, single submitter. Criteria: ACMG Guidelines, 2015. Collection method: clinical testing. Allele origin: germline.
Comment: The SCN9A c.3310A>G variant is predicted to result in the amino acid substitution p.Ser1104Gly. This variant has been reported with a second SCN9A variant in a patient with immunotherapy-responsive small fiber neuropathy; however, additional support for pathogenicity was not provided (Kelley et al. 2020. PubMed ID: 32719824). This variant is reported in 0.064% of alleles in individuals of European (non-Finnish) descent in gnomAD. In gnomAD v4 (available only on GRCh38), this variant is reported in 706 of 1,576,122 alleles, including 2 homozygotes. This population data is not consistent with this variant being a primary cause of disease. Although we suspect that this variant may be benign, at this time, the clinical significance of this variant is uncertain due to the absence of conclusive functional and genetic evidence.

Labcorp Genetics (formerly Invitae), Labcorp
Classification: Likely benign for Neuropathy, hereditary sensory and autonomic, type 2A; Generalized epilepsy with febrile seizures plus, type 7. Last evaluated: 2026-02-04. Review status: criteria provided, single submitter. Criteria: Invitae Variant Classification Sherloc (09022015). Collection method: clinical testing. Allele origin: germline.

Mayo Clinic Laboratories, Mayo Clinic
Classification: Uncertain significance. Last evaluated: 2025-08-01. Review status: criteria provided, single submitter. Criteria: ACMG Guidelines, 2015. Collection method: clinical testing. Allele origin: germline. Observed: 1 variant allele.

GeneDx
Classification: Uncertain significance. Last evaluated: 2025-05-21. Review status: criteria provided, single submitter. Criteria: GeneDx Variant Classification Process June 2021. Collection method: clinical testing. Allele origin: germline. Affected: yes.
Comment: Identified by whole exome sequencing in an individual with small fiberpredominant sensory neuropathy who was also found to have a second SCN9A missense variant (PMID: 32719824); In silico analysis supports that this missense variant has a deleterious effect on protein structure/function; This variant is associated with the following publications: (PMID: 26264438, 32719824)

Blueprint Genetics
Classification: Likely benign. Last evaluated: 2024-11-26. Review status: criteria provided, single submitter. Criteria: ACMG Guidelines, 2015. Collection method: clinical testing. Allele origin: germline.

Ambry Genetics
Classification: Uncertain significance for Inborn genetic diseases. Last evaluated: 2023-07-03. Review status: criteria provided, single submitter. Criteria: Ambry Variant Classification Scheme 2023. Collection method: clinical testing. Allele origin: germline.
Comment: Unlikely to be causative of SCN9A-related neuropathic pain syndromes (AD) Based on insufficient or conflicting evidence, the clinical significance of this alteration remains unclear.

ARUP Laboratories, Molecular Genetics and Genomics, ARUP Laboratories
Classification: Uncertain significance. Last evaluated: 2022-03-22. Review status: criteria provided, single submitter. Criteria: ARUP Molecular Germline Variant Investigation Process 2021. Collection method: clinical testing. Allele origin: germline.
Comment: The SCN9A c.3310A>G; p.Ser1104Gly variant (rs201984007) is reported in the literature in an individual affected with small fiber neuropathy that also carried a second missense variant in SCN9A (Kelley 2020). The p.Ser1104Gly variant is found in the non-Finnish European population with an allele frequency of 0.064% (74/115960 alleles) in the Genome Aggregation Database. The serine at codon 1104 is highly conserved, but computational analyses are uncertain whether this variant is neutral or deleterious (REVEL: 0.552). Due to limited information, the clinical significance of the p.Ser1104Gly variant is uncertain at this time. References: Kelley et al., Association of small-fiber polyneuropathy with three previously unassociated rare missense SCN9A variants. Can J Pain. 2020;4(1):19-29. PMID 32719824.

Illumina Laboratory Services, Illumina
Classification: Benign for Paroxysmal extreme pain disorder. Last evaluated: 2018-01-13. Review status: criteria provided, single submitter. Criteria: ICSL Variant Classification Criteria 13 December 2019. Collection method: clinical testing. Allele origin: germline.
Comment: This variant was observed in the ICSL laboratory as part of a predisposition screen in an ostensibly healthy population. It had not been previously curated by ICSL or reported in the Human Gene Mutation Database (HGMD: prior to June 1st, 2018), and was therefore a candidate for classification through an automated scoring system. Utilizing variant allele frequency, disease prevalence and penetrance estimates, and inheritance mode, an automated score was calculated to assess if this variant is too frequent to cause the disease. Based on the score and internal cut-off values, a variant classified as benign is not then subjected to further curation. The score for this variant resulted in a classification of benign for this disease.

Illumina Laboratory Services, Illumina
Classification: Uncertain significance for Channelopathy-associated congenital insensitivity to pain, autosomal recessive. Last evaluated: 2018-01-13. Review status: criteria provided, single submitter. Criteria: ICSL Variant Classification Criteria 13 December 2019. Collection method: clinical testing. Allele origin: germline.

Illumina Laboratory Services, Illumina
Classification: Benign for Primary erythromelalgia. Last evaluated: 2018-01-13. Review status: criteria provided, single submitter. Criteria: ICSL Variant Classification Criteria 13 December 2019. Collection method: clinical testing. Allele origin: germline.
Comment: the same text as in the submission from Illumina Laboratory Services, Illumina above.

Literature cited by the submitters: PubMed 32719824 (cited by Mayo Clinic Laboratories, Mayo Clinic).